The following is an entry in ClinVar:

NM_014239.4(EIF2B2):c.569T>C (p.Ile190Thr)

Gene: EIF2B2 (eukaryotic translation initiation factor 2B subunit beta; plus strand). Cytogenetic location: 14q24.3.
Variant type: single nucleotide variant.
Coding change: c.569T>C on transcript NM_014239.4 (MANE Select); coding-DNA position 569, T replaced by C.
Protein change: p.Ile190Thr; replaces isoleucine 190 with threonine.
Molecular consequence: missense variant.
Genome position (GRCh38, 1-based): chr14:75,004,872, T>C. VCF-style: chr14-75004872-T-C. GRCh37 (hg19) VCF-style: chr14-75471575-T-C.
Other names: short protein forms I190T.
Identifiers: ClinVar variation 1491871 (VCV001491871.8), dbSNP rs2139253067, ClinGen allele CA390426171.

ClinVar aggregate classification (germline): Uncertain significance (1 of 4 stars; one submission).

Allele frequency attached by ClinVar (database versions not stated): gnomAD exomes below 0.00001.
gnomAD v4.1: 2 of 1,612,818 alleles (0.00012%); highest among the groups gnomAD compares: Non-Finnish European, 0.00017%; no homozygotes.

Submission:

Labcorp Genetics (formerly Invitae), Labcorp
Classification: Uncertain significance. Last evaluated: 2021-07-17. Review status: criteria provided, single submitter. Criteria: Invitae Variant Classification Sherloc (09022015). Collection method: clinical testing. Allele origin: germline.
Comment: In summary, the available evidence is currently insufficient to determine the role of this variant in disease. Therefore, it has been classified as a Variant of Uncertain Significance. Algorithms developed to predict the effect of missense changes on protein structure and function (SIFT, PolyPhen-2, Align-GVGD) all suggest that this variant is likely to be disruptive. This variant has not been reported in the literature in individuals affected with EIF2B2-related conditions. This variant is not present in population databases (ExAC no frequency). This sequence change replaces isoleucine with threonine at codon 190 of the EIF2B2 protein (p.Ile190Thr). The isoleucine residue is highly conserved and there is a moderate physicochemical difference between isoleucine and threonine.